The following is an entry in ClinVar:

NM_001330078.2(NRXN1):c.1969C>T (p.Arg657Trp)

Gene: NRXN1 (neurexin 1; minus strand). Cytogenetic location: 2p16.3.
Variant type: single nucleotide variant.
Coding change: c.1969C>T on transcript NM_001330078.2 (MANE Select); coding-DNA position 1969, C replaced by T.
Protein change: p.Arg657Trp; replaces arginine 657 with tryptophan.
Molecular consequence: missense variant.
Genome position (GRCh38, 1-based): chr2:50,538,427, G>A on the plus strand (C>T on the coding strand, the complement: NRXN1 is on the minus strand). VCF-style: chr2-50538427-G-A. GRCh37 (hg19) VCF-style: chr2-50765565-G-A.
Other names: c.2089C>T, p.Arg697Trp (NM_001135659.3); c.1945C>T, p.Arg649Trp (NM_001330077.2, NM_001330082.2, NM_001330095.2); c.1930C>T, p.Arg644Trp (NM_001330083.2, NM_001330084.2); c.1969C>T, p.Arg657Trp (NM_001330085.2, NM_001330086.2, NM_004801.6); c.1885C>T, p.Arg629Trp (NM_001330087.2, NM_001330096.2); c.1915C>T, p.Arg639Trp (NM_001330088.2); c.1966C>T, p.Arg656Trp (NM_001330093.2); c.1957C>T, p.Arg653Trp (NM_001330094.2); short protein forms R697W, R629W, R639W, R653W, R644W, R649W, R656W, R657W.
Identifiers: ClinVar variation 93588 (VCV000093588.17), dbSNP rs200844126, ClinGen allele CA221527.

ClinVar aggregate classification (germline): Uncertain significance. Review status: criteria provided, multiple submitters, no conflicts (2 of 4 stars). 3 submissions from 3 submitters: Uncertain significance (3). Last evaluated 2025-06-03.

Conditions:
Pitt-Hopkins-like syndrome 2 (PTHSL2). Identifiers: Orphanet 221150, Orphanet 600663, MedGen C3280479, MONDO:0013690, OMIM 614325.

Allele frequency attached by ClinVar (database versions not stated): ExAC 0.00002; gnomAD 0.00003 and 0.00002; ESP Exome Variant Server 0.00008; TOPMed 0.00002; gnomAD exomes 0.00001.
gnomAD v4.1: 29 of 1,613,792 alleles (0.0018%); highest among the groups gnomAD compares: African/African-American, 0.0053%; no homozygotes.

Submissions (3):

Labcorp Genetics (formerly Invitae), Labcorp
Classification: Uncertain significance for Pitt-Hopkins-like syndrome 2. Last evaluated: 2025-06-03. Review status: criteria provided, single submitter. Criteria: Invitae Variant Classification Sherloc (09022015). Collection method: clinical testing. Allele origin: germline.
Comment: This sequence change replaces arginine, which is basic and polar, with tryptophan, which is neutral and slightly polar, at codon 697 of the NRXN1 protein (p.Arg697Trp). This variant is present in population databases (rs200844126, gnomAD 0.008%). This variant has not been reported in the literature in individuals affected with NRXN1-related conditions. ClinVar contains an entry for this variant (Variation ID: 93588). An algorithm developed to predict the effect of missense changes on protein structure and function (PolyPhen-2) suggests that this variant is likely to be tolerated. In summary, the available evidence is currently insufficient to determine the role of this variant in disease. Therefore, it has been classified as a Variant of Uncertain Significance.

GeneDx
Classification: Uncertain significance. Last evaluated: 2024-02-22. Review status: criteria provided, single submitter. Criteria: GeneDx Variant Classification Process June 2021. Collection method: clinical testing. Allele origin: germline. Affected: yes.
Comment: In silico analysis supports that this missense variant has a deleterious effect on protein structure/function; Missense variant in a gene in which most reported pathogenic variants are truncating/loss of function; Has not been previously published as pathogenic or benign to our knowledge

Eurofins Ntd Llc (ga)
Classification: Uncertain significance. Last evaluated: 2012-10-11. Review status: criteria provided, single submitter. Criteria: EGL Classification Definitions 2015. Collection method: clinical testing. Allele origin: germline. Observed: 1 variant allele, 1 heterozygote.